The following is an entry in ClinVar:

NM_000061.3(BTK):c.153dup (p.Lys52Ter)

Gene: BTK (Bruton tyrosine kinase; minus strand). Cytogenetic location: Xq22.1.
Variant type: Duplication.
Coding change: c.153dup on transcript NM_000061.3 (MANE Select); coding-DNA position 153, one base duplicated (T; older notation c.153dupT).
Protein change: p.Lys52Ter; replaces lysine 52 with a stop codon.
Molecular consequence: nonsense.
Genome position (GRCh38, 1-based): chrX:101,374,623, A duplicated on the plus strand (T on the coding strand, the reverse complement: BTK is on the minus strand). VCF-style (leftmost placement, unchanged base first): chrX-101374622-T-TA. GRCh37 (hg19) VCF-style: chrX-100629610-T-TA.
Other names: c.255dup, p.Lys86Ter (NM_001287344.2); c.153dup, p.Lys52Ter (NM_001287345.2); short protein forms K52*, K86*.
Identifiers: ClinVar variation 3724317 (VCV003724317.2).
Genomic context (GRCh38, chrX:101,374,622, plus strand): 5'-TTTTTTCAGGAACCACTGTTTCAACACAAGTGATCTTCTCAACATCTATTGAACCCTTCT[T>TA]ACTGCCTCTTCTCTGAGAAGTAGAATGAGGAAGAAAATGGAGAAAGATTAAGAGGGATTA-3'

ClinVar aggregate classification (germline): Pathogenic (1 of 4 stars; one submission).

Conditions:
X-linked agammaglobulinemia with growth hormone deficiency (IGHD3). Also called: Isolated growth hormone deficiency type 3; Growth hormone deficiency with hypogammaglobulinemia; AGAMMAGLOBULINEMIA AND ISOLATED GROWTH HORMONE DEFICIENCY, X-LINKED; FLEISHER SYNDROME; HYPOGAMMAGLOBULINEMIA AND ISOLATED GROWTH HORMONE DEFICIENCY, X-LINKED; IGHD III. Identifiers: Orphanet 231692, Orphanet 631, MedGen C0472813, MONDO:0010615, OMIM 307200.

Submission:

Labcorp Genetics (formerly Invitae), Labcorp
Classification: Pathogenic for X-linked agammaglobulinemia with growth hormone deficiency. Last evaluated: 2024-11-27. Review status: criteria provided, single submitter. Criteria: Invitae Variant Classification Sherloc (09022015). Collection method: clinical testing. Allele origin: germline.
Comment: This sequence change creates a premature translational stop signal (p.Lys52*) in the BTK gene. It is expected to result in an absent or disrupted protein product. Loss-of-function variants in BTK are known to be pathogenic (PMID: 15661032, 16862044, 19419768). This variant is not present in population databases (gnomAD no frequency). This premature translational stop signal has been observed in individual(s) with X-linked agammaglobulinaemia (PMID: 7633420). This variant is also known as 285insT. For these reasons, this variant has been classified as Pathogenic.

Literature cited by the submitters: PubMed 15661032; PubMed 16862044; PubMed 19419768; PubMed 7633420.